The following is an entry in ClinVar:

NM_001378615.1(CC2D2A):c.3763C>T (p.Arg1255Ter)

Genes: CC2D2A (coiled-coil and C2 domain containing 2A; plus strand), FBXL5 (F-box and leucine rich repeat protein 5; minus strand). Cytogenetic location: 4p15.32.
Variant type: single nucleotide variant.
Coding change: c.3763C>T on transcript NM_001378615.1 (MANE Select); coding-DNA position 3763, C replaced by T.
Protein change: p.Arg1255Ter; replaces arginine 1255 with a stop codon.
Molecular consequence: nonsense.
Genome position (GRCh38, 1-based): chr4:15,574,318, C>T. VCF-style: chr4-15574318-C-T. GRCh37 (hg19) VCF-style: chr4-15575941-C-T.
Other names: c.3763C>T, p.Arg1255Ter (NM_001080522.2); c.3616C>T, p.Arg1206Ter (NM_001378617.1); short protein forms R1206*, R1255*.
Identifiers: ClinVar variation 1322034 (VCV001322034.9), dbSNP rs1271825377, ClinGen allele CA356424248.

ClinVar aggregate classification (germline): Pathogenic/Likely pathogenic. Review status: criteria provided, multiple submitters, no conflicts (2 of 4 stars). 5 submissions from 5 submitters: Pathogenic (4); Likely pathogenic (1). Last evaluated 2025-09-10.

Conditions:
Joubert syndrome 9 (JBTS9). Identifiers: Orphanet 2318, MedGen C2676788, MONDO:0012849, OMIM 612285.
Joubert syndrome and related disorders. Identifiers: Orphanet 140874, MedGen C5679612, MONDO:0015369.
COACH syndrome 2. Identifiers: MedGen C5436837, MONDO:0030859, OMIM 619111.
Meckel syndrome, type 6. Identifiers: Orphanet 564, MedGen C2676790, MONDO:0012848, OMIM 612284.
Retinitis pigmentosa 93. Identifiers: MedGen C5676970, MONDO:0030797, OMIM 619845.
Joubert syndrome. Also called: JOUBERT-BOLTSHAUSER SYNDROME; Familial aplasia of the vermis. Identifiers: Orphanet 475, MedGen C5979921, MONDO:0018772.
Meckel-Gruber syndrome. Also called: DYSENCEPHALIA SPLANCHNOCYSTICA; GRUBER SYNDROME; Dysencephalia splachnocystica. Identifiers: Orphanet 564, MedGen C0265215, MONDO:0018921.

Allele frequency attached by ClinVar (database versions not stated): gnomAD exomes 0.00001; TOPMed 0.00001.
gnomAD v4.1: 14 of 1,546,860 alleles (0.00091%); highest among the groups gnomAD compares: South Asian, 0.0012%; no homozygotes.

Submissions (5):

Genomic Medicine Center of Excellence, King Faisal Specialist Hospital and Research Centre
Classification: Pathogenic for Joubert syndrome 9. Last evaluated: 2025-09-10. Review status: criteria provided, single submitter. Criteria: ACMG Guidelines, 2015. Collection method: clinical testing. Allele origin: germline.

Fulgent Genetics
Classification: Likely pathogenic for Meckel syndrome, type 6; Joubert syndrome 9; COACH syndrome 2; Retinitis pigmentosa 93. Last evaluated: 2024-06-13. Review status: criteria provided, single submitter. Criteria: ACMG Guidelines, 2015. Collection method: clinical testing. Allele origin: germline.

Myriad Genetics, Inc.
Classification: Pathogenic for Joubert syndrome and related disorders. Last evaluated: 2024-05-22. Review status: criteria provided, single submitter. Criteria: Myriad Autosomal Dominant, Autosomal Recessive and X-Linked Classification Criteria (2023). Collection method: clinical testing. Allele origin: unknown.
Comment: NM_001080522.2(CC2D2A):c.3763C>T(R1255*) is expected to be pathogenic in the context of CC2D2A-related disorders. This variant is predicted to lead to an abnormal or absent protein product due to the creation of a premature termination codon in CC2D2A, a gene where loss-of-function variants are known to be pathogenic. Please note: this variant was assessed in the context of healthy population screening.

Labcorp Genetics (formerly Invitae), Labcorp
Classification: Pathogenic for Joubert syndrome; Meckel-Gruber syndrome. Last evaluated: 2023-09-27. Review status: criteria provided, single submitter. Criteria: Invitae Variant Classification Sherloc (09022015). Collection method: clinical testing. Allele origin: germline.
Comment: This sequence change creates a premature translational stop signal (p.Arg1255*) in the CC2D2A gene. It is expected to result in an absent or disrupted protein product. Loss-of-function variants in CC2D2A are known to be pathogenic (PMID: 19777577). This variant is present in population databases (no rsID available, gnomAD 0.005%). This variant has not been reported in the literature in individuals affected with CC2D2A-related conditions. ClinVar contains an entry for this variant (Variation ID: 1322034). For these reasons, this variant has been classified as Pathogenic.

Victorian Clinical Genetics Services, Murdoch Childrens Research Institute
Classification: Pathogenic for Meckel syndrome, type 6. Last evaluated: 2022-02-02. Review status: criteria provided, single submitter. Criteria: ACMG Guidelines, 2015. Collection method: clinical testing. Allele origin: germline. Inheritance: Autosomal recessive inheritance. Affected: yes.
Comment: Based on the classification scheme VCGS_Germline_v1.3.4, this variant is classified as Pathogenic. Following criteria are met: 0102 - Loss of function is a known mechanism of disease in this gene and is associated with Meckel syndrome 6 (MIM#612284). (I) 0106 - This gene is associated with autosomal recessive disease. (I) 0201 - Variant is predicted to cause nonsense-mediated decay (NMD) and loss of protein (premature termination codon is located at least 54 nucleotides upstream of the final exon-exon junction). (SP) 0251 - This variant is heterozygous. (I) 0304 - Variant is present in gnomAD <0.01 (v2) for a recessive condition (1 heterozygote, 0 homozygotes). (SP) 0701 - Other NMD predicted variants comparable to the one identified in this case have very strong previous evidence for pathogenicity (ClinVar, DECIPHER). (SP) 0807 - This variant has no previous evidence of pathogenicity. (I) 0905 - No published segregation evidence has been identified for this variant. (I) 1007 - No published functional evidence has been identified for this variant. (I) 1102 - Strong phenotype match for this individual. (I) Legend: (SP) - Supporting pathogenic, (I) - Information, (SB) - Supporting benign

Literature cited by the submitters: PubMed 19777577 (cited by Labcorp Genetics (formerly Invitae), Labcorp).